The following is an entry in ClinVar:

NM_001845.6(COL4A1):c.1979C>A (p.Pro660Gln)

Gene: COL4A1 (collagen type IV alpha 1 chain; minus strand). Cytogenetic location: 13q34.
Variant type: single nucleotide variant.
Coding change: c.1979C>A on transcript NM_001845.6 (MANE Select); coding-DNA position 1979, C replaced by A.
Protein change: p.Pro660Gln; replaces proline 660 with glutamine.
Molecular consequence: missense variant.
Genome position (GRCh38, 1-based): chr13:110,183,195, G>T on the plus strand (C>A on the coding strand, the complement: COL4A1 is on the minus strand). VCF-style: chr13-110183195-G-T. GRCh37 (hg19) VCF-style: chr13-110835542-G-T.
Other names: short protein forms P660Q.
Identifiers: ClinVar variation 1706686 (VCV001706686.6), dbSNP rs2501792250, ClinGen allele CA388722335.

ClinVar aggregate classification (germline): Uncertain significance. Review status: criteria provided, multiple submitters, no conflicts (2 of 4 stars). 2 submissions from 2 submitters: Uncertain significance (2). Last evaluated 2024-10-22.

Submissions (2):

Labcorp Genetics (formerly Invitae), Labcorp
Classification: Uncertain significance. Last evaluated: 2024-10-22. Review status: criteria provided, single submitter. Criteria: Invitae Variant Classification Sherloc (09022015). Collection method: clinical testing. Allele origin: germline.
Comment: This sequence change replaces proline, which is neutral and non-polar, with glutamine, which is neutral and polar, at codon 660 of the COL4A1 protein (p.Pro660Gln). This variant is not present in population databases (gnomAD no frequency). This variant has not been reported in the literature in individuals affected with COL4A1-related conditions. ClinVar contains an entry for this variant (Variation ID: 1706686). Invitae Evidence Modeling of protein sequence and biophysical properties (such as structural, functional, and spatial information, amino acid conservation, physicochemical variation, residue mobility, and thermodynamic stability) indicates that this missense variant is not expected to disrupt COL4A1 protein function with a negative predictive value of 95%. In summary, the available evidence is currently insufficient to determine the role of this variant in disease. Therefore, it has been classified as a Variant of Uncertain Significance.

GeneDx
Classification: Uncertain significance. Last evaluated: 2022-03-23. Review status: criteria provided, single submitter. Criteria: GeneDx Variant Classification Process June 2021. Collection method: clinical testing. Allele origin: germline. Affected: yes.
Comment: Not observed at significant frequency in large population cohorts (gnomAD); In silico analysis supports that this missense variant has a deleterious effect on protein structure/function; Occurs in the triple helical domain at the Y position in the canonical Gly-X-Y repeat; although this variant may have an effect on normal protein folding and function, missense substitution at the Y position is not a common mechanism of disease; Has not been previously published as pathogenic or benign to our knowledge